The following is an entry in ClinVar:

ClinVar aggregate classification (germline): Uncertain significance (1 of 4 stars; one submission).

gnomAD v4.1: 7 of 1,614,162 alleles (0.00043%); highest among the groups gnomAD compares: East Asian, 0.0022%; no homozygotes.

Submission:

Labcorp Genetics (formerly Invitae), Labcorp
Classification: Uncertain significance. Last evaluated: 2025-01-20. Review status: criteria provided, single submitter. Criteria: Invitae Variant Classification Sherloc (09022015). Collection method: clinical testing. Allele origin: germline.
Comment: This sequence change replaces arginine, which is basic and polar, with histidine, which is basic and polar, at codon 1981 of the VPS13D protein (p.Arg1981His). This variant is present in population databases (rs762865200, gnomAD 0.004%). This variant has not been reported in the literature in individuals affected with VPS13D-related conditions. Invitae Evidence Modeling of protein sequence and biophysical properties (such as structural, functional, and spatial information, amino acid conservation, physicochemical variation, residue mobility, and thermodynamic stability) indicates that this missense variant is not expected to disrupt VPS13D protein function with a negative predictive value of 80%. In summary, the available evidence is currently insufficient to determine the role of this variant in disease. Therefore, it has been classified as a Variant of Uncertain Significance.

NM_015378.4(VPS13D):c.5942G>A (p.Arg1981His)

Gene: VPS13D (vacuolar protein sorting 13 homolog D; plus strand). Cytogenetic location: 1p36.22.
Variant type: single nucleotide variant.
Coding change: c.5942G>A on transcript NM_015378.4 (MANE Select); coding-DNA position 5942, G replaced by A.
Protein change: p.Arg1981His; replaces arginine 1981 with histidine.
Molecular consequence: missense variant.
Genome position (GRCh38, 1-based): chr1:12,293,613, G>A. VCF-style: chr1-12293613-G-A. GRCh37 (hg19) VCF-style: chr1-12353670-G-A.
Other names: c.5942G>A, p.Arg1981His (NM_018156.4); short protein forms R1981H.
Identifiers: ClinVar variation 3711309 (VCV003711309.1).